The following is an entry in ClinVar:

ClinVar aggregate classification (germline): Pathogenic/Likely pathogenic. Review status: criteria provided, multiple submitters, no conflicts (2 of 4 stars). 4 submissions from 4 submitters: Pathogenic (2); Likely pathogenic (2). Last evaluated 2023-09-14.

Conditions:
Familial cancer of breast. Also called: hereditary breast carcinoma; BREAST CANCER, FAMILIAL; Hereditary breast cancer. Identifiers: Orphanet 227535, MedGen C0346153, MONDO:0016419, OMIM 114480. Disease mechanism: loss of function.

Submissions (4):

Myriad Genetics, Inc.
Classification: Pathogenic for Familial cancer of breast. Last evaluated: 2023-09-14. Review status: criteria provided, single submitter. Criteria: Myriad Autosomal Dominant, Autosomal Recessive and X-Linked Classification Criteria (2023). Collection method: clinical testing. Allele origin: unknown.
Comment: This variant is considered pathogenic. This variant creates a frameshift predicted to result in premature protein truncation.

Baylor Genetics
Classification: Likely pathogenic for Familial cancer of breast. Last evaluated: 2022-09-29. Review status: criteria provided, single submitter. Criteria: ACMG Guidelines, 2015. Collection method: clinical testing. Allele origin: unknown.

Labcorp Genetics (formerly Invitae), Labcorp
Classification: Pathogenic for Familial cancer of breast. Last evaluated: 2022-01-04. Review status: criteria provided, single submitter. Criteria: Invitae Variant Classification Sherloc (09022015). Collection method: clinical testing. Allele origin: germline.
Comment: For these reasons, this variant has been classified as Pathogenic. This variant disrupts a region of the PALB2 protein in which other variant(s) (p.Tyr1183*) have been determined to be pathogenic (PMID: 17200671, 19609323, 20927582, 21165770, 21365267, 26283626, 26296701). This suggests that this is a clinically significant region of the protein, and that variants that disrupt it are likely to be disease-causing. ClinVar contains an entry for this variant (Variation ID: 633344). This variant has not been reported in the literature in individuals affected with PALB2-related conditions. This variant is not present in population databases (gnomAD no frequency). This sequence change creates a premature translational stop signal (p.Thr1100Tyrfs*23) in the PALB2 gene. While this is not anticipated to result in nonsense mediated decay, it is expected to disrupt the last 87 amino acid(s) of the PALB2 protein.

Women's Health and Genetics/Laboratory Corporation of America, LabCorp
Classification: Likely pathogenic for Familial cancer of breast. Last evaluated: 2018-04-23. Review status: criteria provided, single submitter. Criteria: LabCorp Variant Classification Summary - May 2015. Collection method: clinical testing. Allele origin: germline.
Comment: Variant summary: PALB2 c.3297_3298insT (p.Thr1100TyrfsX23) results in a premature termination codon, predicted to cause a truncation of the encoded protein or absence of the protein due to nonsense mediated decay, which are commonly known mechanisms for disease. Truncations downstream of this position have been classified as pathogenic by our laboratory (eg. c.3323delA, p.Tyr1108fsX16; c.3549C>A, p.Tyr1183X). The variant was absent in 121400 control chromosomes. To our knowledge, no occurrence of c.3297_3298insT in individuals affected with Hereditary Breast and Ovarian Cancer and no experimental evidence demonstrating its impact on protein function have been reported. No clinical diagnostic laboratories have submitted clinical-significance assessments for this variant to ClinVar after 2014. Based on the evidence outlined above, the variant was classified as likely pathogenic.

Literature cited by the submitters: PubMed 17200671 (cited by Labcorp Genetics (formerly Invitae), Labcorp); PubMed 19609323 (cited by Labcorp Genetics (formerly Invitae), Labcorp); PubMed 20927582 (cited by Labcorp Genetics (formerly Invitae), Labcorp); PubMed 21165770 (cited by Labcorp Genetics (formerly Invitae), Labcorp); PubMed 21365267 (cited by Labcorp Genetics (formerly Invitae), Labcorp); PubMed 26283626 (cited by Labcorp Genetics (formerly Invitae), Labcorp); PubMed 26296701 (cited by Labcorp Genetics (formerly Invitae), Labcorp).

NM_024675.4(PALB2):c.3297_3298insT (p.Thr1100fs)

Gene: PALB2 (partner and localizer of BRCA2; minus strand). Cytogenetic location: 16p12.2.
Variant type: Insertion.
Coding change: c.3297_3298insT on transcript NM_024675.4 (MANE Select); coding-DNA positions 3297 to 3298, T inserted.
Protein change: p.Thr1100fs; shifts the reading frame from threonine 1100.
Molecular consequence: frameshift variant.
Genome position: GRCh38 VCF-style: chr16-23607916-T-TA. GRCh37 (hg19) VCF-style: chr16-23619237-T-TA.
Other names: short protein forms T1100fs.
Identifiers: ClinVar variation 633344 (VCV000633344.8), dbSNP rs1567206823, ClinGen allele CA913190537.